The following is an entry in ClinVar:

ClinVar aggregate classification (germline): Uncertain significance (1 of 4 stars; one submission).

Conditions:
Dextro-looped transposition of the great arteries. Also called: Dextrotransposition of the great arteries. Identifiers: Orphanet 860, MedGen C3531771, MONDO:0019443, OMIM 608808, HP:0031348.

Allele frequency attached by ClinVar (database versions not stated): TOPMed below 0.00001; ExAC 0.00001; gnomAD exomes 0.00001.
gnomAD v4.1: 9 of 1,614,046 alleles (0.00056%); highest among the groups gnomAD compares: South Asian, 0.0022%; no homozygotes.

Submission:

Labcorp Genetics (formerly Invitae), Labcorp
Classification: Uncertain significance for Dextro-looped transposition of the great arteries. Last evaluated: 2024-10-22. Review status: criteria provided, single submitter. Criteria: Invitae Variant Classification Sherloc (09022015). Collection method: clinical testing. Allele origin: germline.
Comment: This sequence change affects codon 1371 of the MED13L mRNA. It is a 'silent' change, meaning that it does not change the encoded amino acid sequence of the MED13L protein. It affects a nucleotide within the consensus splice site. This variant is present in population databases (rs767543191, gnomAD 0.003%). This variant has not been reported in the literature in individuals affected with MED13L-related conditions. ClinVar contains an entry for this variant (Variation ID: 2083562). Algorithms developed to predict the effect of sequence changes on RNA splicing suggest that this variant is not likely to affect RNA splicing. In summary, the available evidence is currently insufficient to determine the role of this variant in disease. Therefore, it has been classified as a Variant of Uncertain Significance.

NM_015335.5(MED13L):c.4113C>T (p.Tyr1371=)

Gene: MED13L (mediator complex subunit 13L; minus strand). Cytogenetic location: 12q24.21.
Variant type: single nucleotide variant.
Coding change: c.4113C>T on transcript NM_015335.5 (MANE Select); coding-DNA position 4113, C replaced by T.
Protein change: p.Tyr1371=; no amino-acid change (tyrosine 1371 retained).
Molecular consequence: synonymous variant.
Genome position (GRCh38, 1-based): chr12:115,987,110, G>A on the plus strand (C>T on the coding strand, the complement: MED13L is on the minus strand). VCF-style: chr12-115987110-G-A. GRCh37 (hg19) VCF-style: chr12-116424915-G-A.
Identifiers: ClinVar variation 2083562 (VCV002083562.4), dbSNP rs767543191, ClinGen allele CA6810878.
Genomic context (GRCh38, chr12:115,987,110, plus strand): 5'-TGCTCTTCACTGAACAGCACTGAAGTCAGAAGGAATTTTAAACAGGACAAAGACCCTACC[G>A]TAGGTTCCCCGTCCTGCCATTTTATGGAACTGCTGCCAAGTGAGTGGTCCCTGCACATGC-3'
Protein context (NP_056150.1, residues 1361-1381): QFHKMAGRGT[Tyr1371=]GSEESPEPLP